The following is an entry in ClinVar:

NM_006180.6(NTRK2):c.27A>G (p.Gly9=)

Gene: NTRK2 (neurotrophic receptor tyrosine kinase 2; plus strand). Cytogenetic location: 9q21.33.
Variant type: single nucleotide variant.
Coding change: c.27A>G on transcript NM_006180.6 (MANE Select); coding-DNA position 27, A replaced by G.
Protein change: p.Gly9=; no amino-acid change (glycine 9 retained).
Molecular consequence: synonymous variant.
Genome position (GRCh38, 1-based): chr9:84,670,775, A>G. VCF-style: chr9-84670775-A-G. GRCh37 (hg19) VCF-style: chr9-87285690-A-G.
Other names: c.27A>G, p.Gly9= (NM_001007097.3, NM_001018064.3, NM_001018065.2 and 19 more transcripts); c.27A>G (NM_006180.4).
Identifiers: ClinVar variation 1953257 (VCV001953257.6), dbSNP rs767314128, ClinGen allele CA465983573.

ClinVar aggregate classification (germline): Likely benign. Review status: criteria provided, single submitter (1 of 4 stars). 2 submissions from 2 submitters: Likely benign (1). 1 of the submissions does not count toward it. Last evaluated 2021-11-30.

Conditions:
NTRK2-related disorder. Also called: NTRK2-related condition.

Allele frequency attached by ClinVar (database versions not stated): gnomAD exomes below 0.00001.
gnomAD v4.1: 2 of 1,613,058 alleles (0.00012%); highest among the groups gnomAD compares: Middle Eastern, 0.017%; no homozygotes.

Submissions (2):

Labcorp Genetics (formerly Invitae), Labcorp
Classification: Likely benign. Last evaluated: 2021-11-30. Review status: criteria provided, single submitter. Criteria: Invitae Variant Classification Sherloc (09022015). Collection method: clinical testing. Allele origin: germline.

PreventionGenetics, part of Exact Sciences
Classification: Likely benign for NTRK2-related condition. Last evaluated: 2021-12-20. Review status: no assertion criteria provided. Collection method: clinical testing. Allele origin: germline. Not counted in ClinVar's aggregate classification.
Comment: This variant is classified as likely benign based on ACMG/AMP sequence variant interpretation guidelines (Richards et al. 2015 PMID: 25741868, with internal and published modifications).